The following is an entry in ClinVar:

NM_003476.5(CSRP3):c.311C>A (p.Thr104Asn)

Gene: CSRP3 (cysteine and glycine rich protein 3; minus strand). Cytogenetic location: 11p15.1.
Variant type: single nucleotide variant.
Coding change: c.311C>A on transcript NM_003476.5 (MANE Select); coding-DNA position 311, C replaced by A.
Protein change: p.Thr104Asn; replaces threonine 104 with asparagine.
Molecular consequence: missense variant.
Genome position (GRCh38, 1-based): chr11:19,186,319, G>T on the plus strand (C>A on the coding strand, the complement: CSRP3 is on the minus strand). VCF-style: chr11-19186319-G-T. GRCh37 (hg19) VCF-style: chr11-19207866-G-T.
Other names: c.311C>A, p.Thr104Asn (NM_001127656.1); c.142C>A, p.Pro48Thr (NM_001369404.1); short protein forms P48T, T104N.
Identifiers: ClinVar variation 1727835 (VCV001727835.4), dbSNP rs758083208, ClinGen allele CA379888043.

ClinVar aggregate classification (germline): Uncertain significance. Review status: criteria provided, multiple submitters, no conflicts (2 of 4 stars). 2 submissions from 2 submitters: Uncertain significance (2). Last evaluated 2025-09-28.

Conditions:
Hypertrophic cardiomyopathy 12. Identifiers: MedGen C2677491, MONDO:0012804, OMIM 612124.
Dilated cardiomyopathy 1M (CMD1M). Identifiers: Orphanet 154, MedGen C1843808, MONDO:0011840, OMIM 607482.
Cardiovascular phenotype. Identifiers: MedGen CN230736.

Submissions (2):

Labcorp Genetics (formerly Invitae), Labcorp
Classification: Uncertain significance for Hypertrophic cardiomyopathy 12; Dilated cardiomyopathy 1M. Last evaluated: 2025-09-28. Review status: criteria provided, single submitter. Criteria: Invitae Variant Classification Sherloc (09022015). Collection method: clinical testing. Allele origin: germline.
Comment: This sequence change replaces threonine, which is neutral and polar, with asparagine, which is neutral and polar, at codon 104 of the CSRP3 protein (p.Thr104Asn). This variant is not present in population databases (gnomAD no frequency). This variant has not been reported in the literature in individuals affected with CSRP3-related conditions. ClinVar contains an entry for this variant (Variation ID: 1727835). An algorithm developed to predict the effect of missense changes on protein structure and function (PolyPhen-2) suggests that this variant is likely to be tolerated. In summary, the available evidence is currently insufficient to determine the role of this variant in disease. Therefore, it has been classified as a Variant of Uncertain Significance.

Ambry Genetics
Classification: Uncertain significance for Cardiovascular phenotype. Last evaluated: 2023-06-09. Review status: criteria provided, single submitter. Criteria: Ambry Variant Classification Scheme 2023. Collection method: clinical testing. Allele origin: germline.
Comment: The p.T104N variant (also known as c.311C>A), located in coding exon 3 of the CSRP3 gene, results from a C to A substitution at nucleotide position 311. The threonine at codon 104 is replaced by asparagine, an amino acid with similar properties. This amino acid position is not well conserved in available vertebrate species. In addition, this alteration is predicted to be tolerated by in silico analysis. Since supporting evidence is limited at this time, the clinical significance of this alteration remains unclear.